The following is an entry in ClinVar:

ClinVar aggregate classification (germline): Benign/Likely benign. Review status: criteria provided, multiple submitters, no conflicts (2 of 4 stars). 3 submissions from 3 submitters: Benign (1); Likely benign (2). Last evaluated 2026-01-29.

Conditions:
Papillary renal cell carcinoma type 1 (RCCP1). Also called: RENAL CELL CARCINOMA, PAPILLARY, 1, SOMATIC; Renal adenocarcinoma; Renal cell carcinoma 1; Renal cell carcinoma, somatic. Identifiers: Orphanet 47044, MedGen C1336839, OMIM 605074, HP:0011797.
Renal cell carcinoma. Identifiers: Orphanet 217071, MedGen C0007134, MeSH D002292, MONDO:0005086, HP:0005584.
Hereditary cancer-predisposing syndrome. Also called: Tumor predisposition; Neoplastic Syndromes, Hereditary; Hereditary neoplastic syndrome; Hereditary Cancer Syndrome. Identifiers: Orphanet 140162, MedGen C0027672, MeSH D009386, MONDO:0015356.

Allele frequency attached by ClinVar (database versions not stated): gnomAD exomes below 0.00001 and 0.00001; gnomAD 0.00001; TOPMed 0.00002.
gnomAD v4.1: 5 of 1,598,014 alleles (0.00031%); highest among the groups gnomAD compares: Admixed American, 0.0054%; no homozygotes.

Submissions (3):

Labcorp Genetics (formerly Invitae), Labcorp
Classification: Likely benign for Renal cell carcinoma. Last evaluated: 2026-01-29. Review status: criteria provided, single submitter. Criteria: Invitae Variant Classification Sherloc (09022015). Collection method: clinical testing. Allele origin: germline.

Myriad Genetics, Inc.
Classification: Benign for Papillary renal cell carcinoma type 1. Last evaluated: 2024-11-07. Review status: criteria provided, single submitter. Criteria: Myriad Autosomal Dominant, Autosomal Recessive and X-Linked Classification Criteria (2023). Collection method: clinical testing. Allele origin: unknown.
Comment: This variant is considered benign. This variant is a silent/synonymous amino acid change and it is not expected to impact splicing.

Ambry Genetics
Classification: Likely benign for Hereditary cancer-predisposing syndrome. Last evaluated: 2022-01-11. Review status: criteria provided, single submitter. Criteria: Ambry Variant Classification Scheme 2023. Collection method: clinical testing. Allele origin: germline.

NM_000245.4(MET):c.1137C>T (p.Asn379=)

Gene: MET (MET proto-oncogene, receptor tyrosine kinase; plus strand). Cytogenetic location: 7q31.2.
Variant type: single nucleotide variant.
Coding change: c.1137C>T on transcript NM_000245.4 (MANE Select); coding-DNA position 1137, C replaced by T.
Protein change: p.Asn379=; no amino-acid change (asparagine 379 retained).
Molecular consequence: synonymous variant. On other transcripts: intron variant (1).
Genome position (GRCh38, 1-based): chr7:116,700,221, C>T. VCF-style: chr7-116700221-C-T. GRCh37 (hg19) VCF-style: chr7-116340275-C-T.
Other names: c.1137C>T, p.Asn379= (NM_001127500.3, NM_001324401.3); c.-91+27644C>T (NM_001324402.2).
Identifiers: ClinVar variation 416934 (VCV000416934.14), dbSNP rs1060504942, ClinGen allele CA16612139.